The following is an entry in ClinVar:

NM_025114.4(CEP290):c.2704A>T (p.Thr902Ser)

Gene: CEP290 (centrosomal protein 290; minus strand). Cytogenetic location: 12q21.32.
Variant type: single nucleotide variant.
Coding change: c.2704A>T on transcript NM_025114.4 (MANE Select); coding-DNA position 2704, A replaced by T.
Protein change: p.Thr902Ser; replaces threonine 902 with serine.
Molecular consequence: missense variant.
Genome position (GRCh38, 1-based): chr12:88,106,788, T>A on the plus strand (A>T on the coding strand, the complement: CEP290 is on the minus strand). VCF-style: chr12-88106788-T-A. GRCh37 (hg19) VCF-style: chr12-88500565-T-A.
Other names: short protein forms T902S.
Identifiers: ClinVar variation 855001 (VCV000855001.10), dbSNP rs1353471879, ClinGen allele CA385971121.

ClinVar aggregate classification (germline): Uncertain significance (1 of 4 stars; one submission).

Conditions:
Meckel-Gruber syndrome. Also called: DYSENCEPHALIA SPLANCHNOCYSTICA; GRUBER SYNDROME; Dysencephalia splachnocystica. Identifiers: Orphanet 564, MedGen C0265215, MONDO:0018921.
Nephronophthisis. Also called: Juvenile Nephronophthisis. Identifiers: Orphanet 655, MedGen C0687120, MONDO:0019005, HP:0000090.
Joubert syndrome. Also called: CEREBELLOPARENCHYMAL DISORDER IV; JOUBERT-BOLTSHAUSER SYNDROME; Familial aplasia of the vermis. Identifiers: Orphanet 475, MedGen C5979921, MONDO:0018772.

Allele frequency attached by ClinVar (database versions not stated): TOPMed below 0.00001.

Submission:

Labcorp Genetics (formerly Invitae), Labcorp
Classification: Uncertain significance for Joubert syndrome; Meckel-Gruber syndrome; Nephronophthisis. Last evaluated: 2023-11-06. Review status: criteria provided, single submitter. Criteria: Invitae Variant Classification Sherloc (09022015). Collection method: clinical testing. Allele origin: germline.
Comment: This sequence change replaces threonine, which is neutral and polar, with serine, which is neutral and polar, at codon 902 of the CEP290 protein (p.Thr902Ser). This variant is not present in population databases (gnomAD no frequency). This variant has not been reported in the literature in individuals affected with CEP290-related conditions. ClinVar contains an entry for this variant (Variation ID: 855001). Advanced modeling of protein sequence and biophysical properties (such as structural, functional, and spatial information, amino acid conservation, physicochemical variation, residue mobility, and thermodynamic stability) performed at Invitae indicates that this missense variant is expected to disrupt CEP290 protein function with a positive predictive value of 80%. In summary, the available evidence is currently insufficient to determine the role of this variant in disease. Therefore, it has been classified as a Variant of Uncertain Significance.